The following is an entry in ClinVar:

NM_004525.3(LRP2):c.9735T>A (p.Asp3245Glu)

Gene: LRP2 (LDL receptor related protein 2; minus strand). Cytogenetic location: 2q31.1.
Variant type: single nucleotide variant.
Coding change: c.9735T>A on transcript NM_004525.3 (MANE Select); coding-DNA position 9735, T replaced by A.
Protein change: p.Asp3245Glu; replaces aspartic acid 3245 with glutamic acid.
Molecular consequence: missense variant.
Genome position (GRCh38, 1-based): chr2:169,185,613, A>T on the plus strand (T>A on the coding strand, the complement: LRP2 is on the minus strand). VCF-style: chr2-169185613-A-T. GRCh37 (hg19) VCF-style: chr2-170042123-A-T.
Other names: short protein forms D3245E.
Identifiers: ClinVar variation 3045148 (VCV003045148.4), dbSNP rs773905964, ClinGen allele CA1953525.
Genomic context (GRCh38, chr2:169,185,613, plus strand): 5'-TATGATTGTCTCCTTGTTTGTCTTATTCAGAAACATTCTCTCAATGACTTGCCTCTGTGT[A>T]TCAATCCAATACAATCTCTTCTCTACTCGGTCAAAATCTAATGCCACAACATTGTCCAGT-3'
Protein context (NP_004516.2, residues 3235-3255): DRVEKRLYWI[Asp3245Glu]TQRQVIERMF

ClinVar aggregate classification (germline): Uncertain significance. Review status: criteria provided, single submitter (1 of 4 stars). 2 submissions from 2 submitters: Uncertain significance (1). 1 of the submissions does not count toward it. Last evaluated 2026-10-23.

Conditions:
LRP2-related disorder. Also called: LRP2-related condition.

Allele frequency attached by ClinVar (database versions not stated): TOPMed below 0.00001; ExAC 0.00001; gnomAD exomes below 0.00001.
gnomAD v4.1: 2 of 1,614,198 alleles (0.00012%); highest among the groups gnomAD compares: African/African-American, 0.0013%; no homozygotes.

Submissions (2):

GeneDx
Classification: Uncertain significance. Last evaluated: 2026-10-23. Review status: criteria provided, single submitter. Criteria: GeneDx Variant Classification Process June 2021. Collection method: clinical testing. Allele origin: germline.
Comment: In silico analysis supports that this missense variant has a deleterious effect on protein structure/function; Has not been previously published as pathogenic or benign to our knowledge

PreventionGenetics, part of Exact Sciences
Classification: Uncertain significance for LRP2-related condition. Last evaluated: 2023-12-26. Review status: no assertion criteria provided. Collection method: clinical testing. Allele origin: germline. Not counted in ClinVar's aggregate classification.
Comment: The LRP2 c.9735T>A variant is predicted to result in the amino acid substitution p.Asp3245Glu. To our knowledge, this variant has not been reported in the literature. This variant is reported in 0.0062% of alleles in individuals of African descent in gnomAD. Of note, a different variant impacting the same amino acid (p.Asp3245Tyr) was reported in a patient with retinal dystrophy who also had a second variant in LRP2; however, phase was not indicated (Patient W000161 in Table S2, Carss et al. 2017. PubMed ID: 28041643). At this time, the clinical significance of the c.9735T>A (p.Asp3245Glu) variant is uncertain due to the absence of conclusive functional and genetic evidence.